The following is an entry in ClinVar:

NM_005591.4(MRE11):c.771A>G (p.Glu257=)

Gene: MRE11 (MRE11 double strand break repair nuclease; minus strand). Cytogenetic location: 11q21.
Variant type: single nucleotide variant.
Coding change: c.771A>G on transcript NM_005591.4 (MANE Select); coding-DNA position 771, A replaced by G.
Protein change: p.Glu257=; no amino-acid change (glutamic acid 257 retained).
Molecular consequence: synonymous variant.
Genome position (GRCh38, 1-based): chr11:94,471,648, T>C on the plus strand (A>G on the coding strand, the complement: MRE11 is on the minus strand). VCF-style: chr11-94471648-T-C. GRCh37 (hg19) VCF-style: chr11-94204814-T-C.
Other names: p.E257E:GAA>GAG; NP_005582.1:p.Glu257=; p.Glu257=; c.771A>G, p.Glu257= (NM_001330347.2, NM_005590.4).
Identifiers: ClinVar variation 182548 (VCV000182548.51), dbSNP rs13447632, ClinGen allele CA333735.

ClinVar aggregate classification (germline): Benign/Likely benign. Review status: criteria provided, multiple submitters, no conflicts (2 of 4 stars). 16 submissions from 16 submitters: Benign (9); Likely benign (6). 1 of the submissions does not count toward it. Last evaluated 2026-04-01.

Conditions:
MRE11-related disorder. Also called: MRE11-related condition.
Ataxia-telangiectasia-like disorder (ATLD). Identifiers: MedGen C1858391, MONDO:0011457.
Hereditary cancer-predisposing syndrome. Also called: Tumor predisposition; Neoplastic Syndromes, Hereditary; Hereditary Cancer Syndrome; Hereditary neoplastic syndrome. Identifiers: Orphanet 140162, MedGen C0027672, MeSH D009386, MONDO:0015356.
Hereditary breast ovarian cancer syndrome. Also called: Hereditary breast and ovarian cancer; Hereditary breast and ovarian cancer syndrome (HBOC); Breast and ovarian cancer; Hereditary breast and/or ovarian cancer syndrome; BRCA1- and BRCA2-Associated Hereditary Breast and Ovarian Cancer; Hereditary breast and ovarian cancer syndrome. Identifiers: Orphanet 145, MedGen C0677776, MeSH D061325, MONDO:0003582. Disease mechanism: loss of function.
Ataxia-telangiectasia-like disorder 1 (ATLD1). Identifiers: Orphanet 251347, MedGen C4012790, MONDO:0024557, OMIM 604391.

Allele frequency attached by ClinVar (database versions not stated): gnomAD exomes 0.00033 and 0.00079; ExAC 0.00090; ESP Exome Variant Server 0.00277; gnomAD 0.00283 and 0.00301; TOPMed 0.00305; 1000 Genomes Project 0.00379; 1000 Genomes Project 30x 0.00406.
gnomAD v4.1: 942 of 1,612,938 alleles (0.058%); highest among the groups gnomAD compares: African/African-American, 0.96%; 4 homozygotes.

Submissions (16):

CeGaT Center for Human Genetics Tuebingen
Classification: Likely benign. Last evaluated: 2026-04-01. Review status: criteria provided, single submitter. Criteria: CeGaT Center For Human Genetics Tuebingen Variant Classification Criteria Version 2. Collection method: clinical testing. Allele origin: germline. Affected: yes. Observed: 3 variant alleles.
Comment: MRE11: BP4, BP7

Labcorp Genetics (formerly Invitae), Labcorp
Classification: Benign for Ataxia-telangiectasia-like disorder. Last evaluated: 2026-01-28. Review status: criteria provided, single submitter. Criteria: Invitae Variant Classification Sherloc (09022015). Collection method: clinical testing. Allele origin: germline.

Blueprint Genetics
Classification: Likely benign. Last evaluated: 2024-11-13. Review status: criteria provided, single submitter. Criteria: ACMG Guidelines, 2015. Collection method: clinical testing. Allele origin: germline.

Mayo Clinic Laboratories, Mayo Clinic
Classification: Benign. Last evaluated: 2024-08-21. Review status: criteria provided, single submitter. Criteria: ACMG Guidelines, 2015. Collection method: clinical testing. Allele origin: germline. Observed: 3 variant alleles.
Comment: BA1, BS2, BP4, BP7

ARUP Laboratories, Molecular Genetics and Genomics, ARUP Laboratories
Classification: Benign for Ataxia-telangiectasia-like disorder 1. Last evaluated: 2023-11-06. Review status: criteria provided, single submitter. Criteria: ARUP Molecular Germline Variant Investigation Process 2024. Collection method: clinical testing. Allele origin: germline.

KCCC/NGS Laboratory, Kuwait Cancer Control Center
Classification: Benign for Ataxia-telangiectasia-like disorder 1. Last evaluated: 2023-07-07. Review status: criteria provided, single submitter. Criteria: ACMG Guidelines, 2015. Collection method: clinical testing. Allele origin: germline. Affected: yes.

National Health Laboratory Service, Universitas Academic Hospital and University of the Free State
Classification: Likely benign for Hereditary breast ovarian cancer syndrome. Last evaluated: 2022-04-19. Review status: criteria provided, single submitter. Criteria: ACMG Guidelines, 2015. Collection method: clinical testing. Allele origin: germline. Affected: yes. Observed: 2 variant alleles.

Quest Diagnostics Nichols Institute San Juan Capistrano
Classification: Benign. Last evaluated: 2021-09-17. Review status: criteria provided, single submitter. Criteria: Quest Diagnostics criteria. Collection method: clinical testing. Allele origin: unknown.

Sema4
Classification: Benign for Hereditary cancer-predisposing syndrome. Last evaluated: 2021-03-08. Review status: criteria provided, single submitter. Criteria: Sema4 Curation Guidelines. Collection method: curation. Allele origin: germline.

Illumina Laboratory Services, Illumina
Classification: Likely benign for Ataxia-telangiectasia-like disorder 1. Last evaluated: 2018-01-12. Review status: criteria provided, single submitter. Criteria: ICSL Variant Classification Criteria 13 December 2019. Collection method: clinical testing. Allele origin: germline.
Comment: This variant was observed in the ICSL laboratory as part of a predisposition screen in an ostensibly healthy population. It had not been previously curated by ICSL or reported in the Human Gene Mutation Database (HGMD: prior to June 1st, 2018), and was therefore a candidate for classification through an automated scoring system. Utilizing variant allele frequency, disease prevalence and penetrance estimates, and inheritance mode, an automated score was calculated to assess if this variant is too frequent to cause the disease. Based on the score and internal cut-off values, a variant classified as likely benign is not then subjected to further curation. The score for this variant resulted in a classification of likely benign for this disease.

Women's Health and Genetics/Laboratory Corporation of America, LabCorp
Classification: Benign. Last evaluated: 2017-07-21. Review status: criteria provided, single submitter. Criteria: LabCorp Variant Classification Summary - May 2015. Collection method: clinical testing. Allele origin: germline.
Comment: Variant summary: The MRE11A c.771A>G (p.Glu257Glu) variant involves the alteration of a non-conserved nucleotide causing a synonymous change and 5/5 splice prediction tools predict no significant impact on normal splicing. ESE finder predicts that this variant does not affect ESE binding. However, these predictions have yet to be confirmed by functional studies. This variant was found in 281/276646 (2 homozygotes) control chromosomes at a frequency of 0.0010157, which is approximately 16 times the estimated maximal expected allele frequency of a pathogenic MRE11A variant (0.0000625), suggesting this variant is likely a benign polymorphism. In addition, multiple clinical diagnostic laboratories/reputable databases classified this variant as benign/likely benign. The variant of interest has not, to our knowledge, been reported in affected individuals via publications. Taken together, this variant is classified as benign.

Eurofins Ntd Llc (ga)
Classification: Benign. Last evaluated: 2015-11-18. Review status: criteria provided, single submitter. Criteria: EGL Classification Definitions 2015. Collection method: clinical testing. Allele origin: germline. Observed: 1 variant allele, 1 heterozygote.

Ambry Genetics
Classification: Likely benign for Hereditary cancer-predisposing syndrome. Last evaluated: 2014-08-18. Review status: criteria provided, single submitter. Criteria: Ambry Variant Classification Scheme 2023. Collection method: clinical testing. Allele origin: germline.

GeneDx
Classification: Benign. Last evaluated: 2014-02-05. Review status: criteria provided, single submitter. Criteria: GeneDx Variant Classification (06012015). Collection method: clinical testing. Allele origin: germline. Affected: yes.
Comment: This variant is considered likely benign or benign based on one or more of the following criteria: it is a conservative change, it occurs at a poorly conserved position in the protein, it is predicted to be benign by multiple in silico algorithms, and/or has population frequency not consistent with disease.

Breakthrough Genomics
Classification: Likely benign. Review status: criteria provided, single submitter. Criteria: ACMG Guidelines, 2015. Collection method: not provided. Allele origin: germline. Inheritance: Autosomal recessive inheritance. Affected: yes.

PreventionGenetics, part of Exact Sciences
Classification: Benign for MRE11-related condition. Last evaluated: 2019-12-10. Review status: no assertion criteria provided. Collection method: clinical testing. Allele origin: germline. Not counted in ClinVar's aggregate classification.
Comment: This variant is classified as benign based on ACMG/AMP sequence variant interpretation guidelines (Richards et al. 2015 PMID: 25741868, with internal and published modifications).